The following is an entry in ClinVar:

ClinVar aggregate classification (germline): Likely pathogenic (1 of 4 stars; one submission).

Conditions:
Progressive sclerosing poliodystrophy (MTDPS4A). Also called: Mitochondrial DNA depletion syndrome 4A (Alpers type); ALPERS PROGRESSIVE INFANTILE POLIODYSTROPHY; NEURONAL DEGENERATION OF CHILDHOOD WITH LIVER DISEASE, PROGRESSIVE; Alpers Syndrome; ALPERS DIFFUSE DEGENERATION OF CEREBRAL GRAY MATTER WITH HEPATIC CIRRHOSIS; Alpers-Huttenlocher Syndrome. Identifiers: Orphanet 726, MedGen C0205710, MONDO:0008758, OMIM 203700.

Submission:

Labcorp Genetics (formerly Invitae), Labcorp
Classification: Likely pathogenic for Progressive sclerosing poliodystrophy. Last evaluated: 2023-05-02. Review status: criteria provided, single submitter. Criteria: Invitae Variant Classification Sherloc (09022015). Collection method: clinical testing. Allele origin: germline.
Comment: In summary, the currently available evidence indicates that the variant is pathogenic, but additional data are needed to prove that conclusively. Therefore, this variant has been classified as Likely Pathogenic. An algorithm developed to predict the effect of missense changes on protein structure and function (PolyPhen-2) suggests that this variant is likely to be disruptive. A different variant (c.1942C>T) giving rise to the same protein effect has been determined to be pathogenic (Invitae). This suggests that this variant is also likely to be causative of disease. Information on the frequency of this variant in the gnomAD database is not available, as this variant may be reported differently in the database. This sequence change replaces proline, which is neutral and non-polar, with serine, which is neutral and polar, at codon 648 of the POLG protein (p.Pro648Ser).

NM_002693.3(POLG):c.1942_1943delinsAG (p.Pro648Ser)

Gene: POLG (DNA polymerase gamma, catalytic subunit; minus strand). Cytogenetic location: 15q26.1.
Variant type: Indel.
Coding change: c.1942_1943delinsAG on transcript NM_002693.3 (MANE Select); coding-DNA positions 1942 to 1943, CC replaced by AG.
Protein change: p.Pro648Ser; replaces proline 648 with serine.
Molecular consequence: missense variant.
Genome position (GRCh38, 1-based): chr15:89,325,456-89,325,457, GG replaced by CT on the plus strand (CC replaced by AG on the coding strand, the reverse complement: POLG is on the minus strand). VCF-style: chr15-89325456-GG-CT. GRCh37 (hg19) VCF-style: chr15-89868687-GG-CT.
Other names: c.1942_1943delinsAG, p.Pro648Ser (NM_001126131.2); short protein forms P648S.
Identifiers: ClinVar variation 2861732 (VCV002861732.3), dbSNP rs2509248363, ClinGen allele CA2739269672.